The following is an entry in ClinVar:

NM_145059.3(FCSK):c.2572G>A (p.Ala858Thr)

Gene: FCSK (fucose kinase; plus strand). Cytogenetic location: 16q22.1.
Variant type: single nucleotide variant.
Coding change: c.2572G>A on transcript NM_145059.3 (MANE Select); coding-DNA position 2572, G replaced by A.
Protein change: p.Ala858Thr; replaces alanine 858 with threonine.
Molecular consequence: missense variant.
Genome position (GRCh38, 1-based): chr16:70,475,698, G>A. VCF-style: chr16-70475698-G-A. GRCh37 (hg19) VCF-style: chr16-70509601-G-A.
Other names: c.2572G>A (NM_145059.2); short protein forms A858T.
Identifiers: ClinVar variation 1682395 (VCV001682395.28), dbSNP rs17884050, ClinGen allele CA8143645.

ClinVar aggregate classification (germline): Conflicting classifications of pathogenicity. Review status: criteria provided, conflicting classifications (1 of 4 stars). 4 submissions from 4 submitters: Uncertain significance (1); Likely benign (2). 1 of the submissions does not count toward it. Last evaluated 2026-01-14.

Conditions:
FCSK-related disorder. Also called: FCSK-related condition.

Allele frequency attached by ClinVar (database versions not stated): 1000 Genomes Project 0.00060; 1000 Genomes Project 30x 0.00062; ESP Exome Variant Server 0.00136; ExAC 0.00160.
gnomAD v4.1: 2,063 of 1,601,708 alleles (0.13%); highest among the groups gnomAD compares: Middle Eastern, 0.26%; 1 homozygote.

Submissions (4):

Labcorp Genetics (formerly Invitae), Labcorp
Classification: Likely benign. Last evaluated: 2026-01-14. Review status: criteria provided, single submitter. Criteria: Invitae Variant Classification Sherloc (09022015). Collection method: clinical testing. Allele origin: germline.

Ambry Genetics
Classification: Uncertain significance. Last evaluated: 2025-07-14. Review status: criteria provided, single submitter. Criteria: Ambry Variant Classification Scheme 2023. Collection method: clinical testing. Allele origin: germline.

CeGaT Center for Human Genetics Tuebingen
Classification: Likely benign. Last evaluated: 2024-07-01. Review status: criteria provided, single submitter. Criteria: CeGaT Center For Human Genetics Tuebingen Variant Classification Criteria Version 2. Collection method: clinical testing. Allele origin: germline. Affected: yes. Observed: 1 variant allele.
Comment: FCSK: BP4

PreventionGenetics, part of Exact Sciences
Classification: Likely benign for FCSK-related condition. Last evaluated: 2022-11-13. Review status: no assertion criteria provided. Collection method: clinical testing. Allele origin: germline. Not counted in ClinVar's aggregate classification.
Comment: This variant is classified as likely benign based on ACMG/AMP sequence variant interpretation guidelines (Richards et al. 2015 PMID: 25741868, with internal and published modifications).